The following is an entry in ClinVar:

NM_000051.4(ATM):c.5975A>C (p.Lys1992Thr)

Genes: C11orf65 (chromosome 11 open reading frame 65; minus strand), ATM (ATM serine/threonine kinase; plus strand). Cytogenetic location: 11q22.3.
Variant type: single nucleotide variant.
Coding change: c.5975A>C on transcript NM_000051.4 (MANE Select); coding-DNA position 5975, A replaced by C.
Protein change: p.Lys1992Thr; replaces lysine 1992 with threonine.
Molecular consequence: missense variant. On other transcripts: intron variant (2).
Genome position (GRCh38, 1-based): chr11:108,312,467, A>C. VCF-style: chr11-108312467-A-C. GRCh37 (hg19) VCF-style: chr11-108183194-A-C.
Other names: p.K1992T:AAA>ACA; c.5975A>C, p.Lys1992Thr (NM_001351834.2); c.641-3396T>G (NM_001330368.2); c.*39-3396T>G (NM_001351110.2); short protein forms K1992T.
Identifiers: ClinVar variation 127415 (VCV000127415.70), dbSNP rs150757822, ClinGen allele CA286913.

ClinVar aggregate classification (germline): Conflicting classifications of pathogenicity. Review status: criteria provided, conflicting classifications (1 of 4 stars). 31 submissions from 31 submitters: Uncertain significance (9); Benign (6); Likely benign (11). 5 of the submissions do not count toward it. Last evaluated 2026-02-03.

Conditions:
Hereditary cancer. Identifiers: MedGen C1333600.
ATM-related disorder. Also called: ATM-related disorders; ATM-related condition.
Breast and/or ovarian cancer. Identifiers: MedGen CN221562.
Hereditary cancer-predisposing syndrome. Also called: Neoplastic Syndromes, Hereditary; Hereditary Cancer Syndrome; Tumor predisposition; Hereditary neoplastic syndrome. Identifiers: Orphanet 140162, MedGen C0027672, MeSH D009386, MONDO:0015356.
Familial cancer of breast. Also called: BREAST CANCER, FAMILIAL; hereditary breast carcinoma; Hereditary breast cancer. Identifiers: Orphanet 227535, MedGen C0346153, MONDO:0016419, OMIM 114480. Disease mechanism: loss of function.
Ataxia-telangiectasia syndrome (AT). Also called: Ataxia-telangiectasia, complementation group D; AT, COMPLEMENTATION GROUP C; Ataxia-telangiectasia; ATAXIA-TELANGIECTASIA, COMPLEMENTATION GROUP A; ATAXIA-TELANGIECTASIA, FRESNO VARIANT; Ataxia-telangiectasia, complementation group E. Identifiers: Orphanet 100, MedGen C0004135, MONDO:0008840, OMIM 208900.
Hereditary breast ovarian cancer syndrome. Also called: BRCA1- and BRCA2-Associated Hereditary Breast and Ovarian Cancer; Hereditary breast and ovarian cancer syndrome; Hereditary breast and ovarian cancer syndrome (HBOC); Hereditary breast and/or ovarian cancer syndrome; Hereditary breast and ovarian cancer; Breast and ovarian cancer. Identifiers: Orphanet 145, MedGen C0677776, MeSH D061325, MONDO:0003582. Disease mechanism: loss of function.
Malignant tumor of breast. Also called: Malignant breast neoplasm; Cancer breast. Identifiers: MedGen C0006142, MONDO:0007254. Disease mechanism: loss of function.

Allele frequency attached by ClinVar (database versions not stated): 1000 Genomes Project 0.00020; ESP Exome Variant Server 0.00023; gnomAD 0.00025; ExAC 0.00036; 1000 Genomes Project 30x 0.00016; TOPMed 0.00028.
gnomAD v4.1: 344 of 1,590,620 alleles (0.022%); highest among the groups gnomAD compares: Middle Eastern, 0.083%; 2 homozygotes.

Submissions 1 to 13 of 31:

Labcorp Genetics (formerly Invitae), Labcorp
Classification: Benign for Ataxia-telangiectasia syndrome. Last evaluated: 2026-02-03. Review status: criteria provided, single submitter. Criteria: Invitae Variant Classification Sherloc (09022015). Collection method: clinical testing. Allele origin: germline.

Mendelics
Classification: Likely benign for Hereditary cancer. Last evaluated: 2025-06-23. Review status: criteria provided, single submitter. Criteria: ACMG Guidelines, 2015. Collection method: clinical testing. Allele origin: unknown.
Comment: This variant is considered likely benign or benign based on one or more of the following: it is predicted to be benign by multiple in silico algorithms, and/or has population frequency not consistent with disease, and/or has normal protein function, and/or has lack of segregation with disease, and/or has been detected in co-occurrence with known pathogenic variant, and/or has lack of disease association in case-control studies, and/or is located in a region inconsistent with a known cause of pathogenicity.

Mayo Clinic Laboratories, Mayo Clinic
Classification: Likely benign. Last evaluated: 2025-04-15. Review status: criteria provided, single submitter. Criteria: ACMG Guidelines, 2015. Collection method: clinical testing. Allele origin: germline. Observed: 2 variant alleles.
Comment: BS1, BP4

Center for Genomic Medicine, Rigshospitalet, Copenhagen University Hospital
Classification: Uncertain significance. Last evaluated: 2025-03-04. Review status: criteria provided, single submitter. Criteria: ACMG Guidelines, 2015. Collection method: clinical testing. Allele origin: germline.

Women's Health and Genetics/Laboratory Corporation of America, LabCorp
Classification: Benign. Last evaluated: 2024-12-23. Review status: criteria provided, single submitter. Criteria: LabCorp Variant Classification Summary - May 2015. Collection method: clinical testing. Allele origin: germline.
Comment: Variant summary: ATM c.5975A>C (p.Lys1992Thr) results in a non-conservative amino acid change located in the PIK-related kinase domain (IPR014009) of the encoded protein sequence. Three of five in-silico tools predict a benign effect of the variant on protein function. The variant allele was found at a frequency of 0.00036 in 254000 control chromosomes, predominantly at a frequency of 0.00046 within the Latino subpopulation in the gnomAD database, including at least 1 homozygote (2 homozygous individuals in gnomAD v4). The observed variant frequency within Latino control individuals in the gnomAD database is approximately 1.84 fold of the estimated maximal expected allele frequency for a pathogenic variant in ATM causing Prostate Cancer phenotype (0.00025) and is also reported at a frequency of 0.0044 within the Ashkenazi Jewish subpopulation in the gnomAD database (which is approximately equal to the estimated maximal expected allele frequency for a pathogenic variant in ATM causing Ataxia-Telangiectasia, 0.004), suggesting that the variant might be a benign polymorphism found primarily in populations of Ashkenazi Jewish origin. It has further been reported in at least 4 individuals over the age of 70 years who have never had cancer (FLOSSIES database). c.5975A>C has been reported in the literature in individuals affected with cancer phenotypes including breast cancer, chronic lymphocytic leukemia, and pancreatic ductal adenocarcinoma, without strong evidence for causality (examples-Castillo-Guardiola_2022, Gervas_2022, Dorling_2021, Bernstein_2010, Skowronska_2011, Navrkalova_2013, Young_2016, Zhang_2015, Tung_2014, Shindo_2017, Tiao_2017, Girard_2019, Tsaousis_2019). These reports do not provide unequivocal conclusions about association of the variant with Ataxia-Telangiectasia. To our knowledge, no experimental evidence demonstrating an impact on protein function has been reported. The following publications have been ascertained in the context of this evaluation (PMID: 17968022, 20305132, 35245693, 33471991, 35763645, 30303537, 35264596, 26689913, 23585524, 28767289, 21933854, 28652578, 31159747, 25186627, 26787654, 26580448). The following publications have been ascertained in the context of this evaluation (PMID: 17968022, 20305132, 35245693, 33471991, 35763645, 30303537, 35264596, 26689913, 23585524, 28767289, 21933854, 28652578, 31159747, 25186627, 26787654, 26580448). ClinVar contains an entry for this variant (Variation ID: 127415). Based on the evidence outlined above, the variant was classified as benign.

Athena Diagnostics
Classification: Benign. Last evaluated: 2024-10-29. Review status: criteria provided, single submitter. Criteria: Athena Diagnostics Criteria. Collection method: clinical testing. Allele origin: unknown.

Molecular Diagnostics Laboratory, Catalan Institute of Oncology
Classification: Uncertain significance for Hereditary cancer-predisposing syndrome. Last evaluated: 2024-10-29. Review status: criteria provided, single submitter. Criteria: ClinGen ACMG Specifications ATM V1.1.0. Collection method: clinical testing. Allele origin: germline.
Comment: c.5975A>C located in exon 40 of the ATM gene, is predicted to result in the substitution of lysine by threonine at codon 1992, p.(Lys1992Thr).This variant is found in 16/35060 at a filter allele frequency of 0.029% in the gnomAD v2.1.1 database (Latino non-cancer data set). The SpliceAI algorithm predicts no significant impact on splicing and the REVEL meta-predictor score for this variant (0.256) is indeterminate regarding the effect that it may have on protein function. To our knowledge, functional studies have not been reported for this variant. In addition, the variant was also identified in the ClinVar database (10x uncertain significance, 12x likely benign, 5x benign) and in LOVD database (3x uncertain significance, 2x likely benign, 2x not classified). Based on currently available information, the variant c.5975A>C is classified as an uncertain significance variant according to ClinGen-ATM Guidelines version v1.1.

Blueprint Genetics
Classification: Likely benign. Last evaluated: 2024-10-07. Review status: criteria provided, single submitter. Criteria: ACMG Guidelines, 2015. Collection method: clinical testing. Allele origin: germline.

CeGaT Center for Human Genetics Tuebingen
Classification: Uncertain significance. Last evaluated: 2024-10-01. Review status: criteria provided, single submitter. Criteria: CeGaT Center For Human Genetics Tuebingen Variant Classification Criteria Version 2. Collection method: clinical testing. Allele origin: germline. Affected: yes. Observed: 1 variant allele.
Comment: ATM: PM2, BP1

Myriad Genetics, Inc.
Classification: Likely benign for Familial cancer of breast. Last evaluated: 2024-05-28. Review status: criteria provided, single submitter. Criteria: Myriad Autosomal Dominant, Autosomal Recessive and X-Linked Classification Criteria (2023). Collection method: clinical testing. Allele origin: unknown.
Comment: This variant is considered likely benign. This variant is strongly associated with less severe personal and family histories of cancer, typical for individuals without pathogenic variants in this gene [PMID: 25085752].

German Consortium for Hereditary Breast and Ovarian Cancer, University Hospital Cologne
Classification: Likely benign for Hereditary breast ovarian cancer syndrome. Last evaluated: 2024-01-05. Review status: criteria provided, single submitter. Criteria: ACMG Guidelines, 2015. Collection method: curation. Allele origin: germline.
Comment: According to the ACMG standard criteria we chose these criteria: PM2 (supporting pathogenic): Absent from controls (PM2_sup), BP4 (supporting benign): REVEL: 0.256 BayesDEL:-0.143455, BS2 (strong benign): 1x homozygous in gnomAD (Ashkenazi Jewish), in Tübingen: NGSD counts: 1x hom, 30x het, 0x mosaic (homozygous: healthy mother in exom trio for other disease)

Institute for Biomarker Research, Medical Diagnostic Laboratories, L.L.C.
Classification: Benign for Hereditary cancer-predisposing syndrome. Last evaluated: 2023-09-05. Review status: criteria provided, single submitter. Criteria: ACMG Guidelines, 2015. Collection method: clinical testing. Allele origin: germline.

CHEO Genetics Diagnostic Laboratory, Children's Hospital of Eastern Ontario
Classification: Likely benign for Breast and/or ovarian cancer. Last evaluated: 2023-06-13. Review status: criteria provided, single submitter. Criteria: ACMG Guidelines, 2015. Collection method: clinical testing. Allele origin: germline.